The following is an entry in ClinVar:

ClinVar aggregate classification (germline): Conflicting classifications of pathogenicity. Review status: criteria provided, conflicting classifications (1 of 4 stars). 6 submissions from 6 submitters: Uncertain significance (1); Likely benign (5). Last evaluated 2026-04-16.

Conditions:
Congenital dyserythropoietic anemia, type I. Also called: Dyserythropoietic anemia, congenital type 1. Identifiers: Orphanet 98869, MedGen C0271933, MONDO:0020337. Disease mechanism: loss of function.
CDAN1-related disorder. Also called: CDAN1-related condition.
Inborn genetic diseases. Identifiers: MedGen C0950123, MeSH D030342.
Anemia, congenital dyserythropoietic, type 1a (CDAN1A). Also called: DYSERYTHROPOIETIC ANEMIA, CONGENITAL, TYPE Ia; CDAN1-Related Congenital Dyserythropoietic Anemia. Identifiers: MedGen C5574667, MONDO:0009135, OMIM 224120.

Allele frequency attached by ClinVar (database versions not stated): gnomAD 0.00035 and 0.00037; gnomAD exomes 0.00041 and 0.00061; TOPMed 0.00043; ESP Exome Variant Server 0.00054; ExAC 0.00057; 1000 Genomes Project 30x 0.00078; 1000 Genomes Project 0.00100.
gnomAD v4.1: 644 of 1,613,968 alleles (0.04%); highest among the groups gnomAD compares: East Asian, 0.28%; 2 homozygotes.

Submissions (6):

PreventionGenetics, part of Exact Sciences
Classification: Likely benign for CDAN1-related condition. Last evaluated: 2026-04-16. Review status: criteria provided, single submitter. Criteria: ACMG Guidelines, 2015. Collection method: clinical testing. Allele origin: germline.
Comment: This variant is classified as likely benign based on ACMG/AMP sequence variant interpretation guidelines (Richards et al. 2015 PMID: 25741868, with internal and published modifications).

Labcorp Genetics (formerly Invitae), Labcorp
Classification: Likely benign. Last evaluated: 2026-01-18. Review status: criteria provided, single submitter. Criteria: Invitae Variant Classification Sherloc (09022015). Collection method: clinical testing. Allele origin: germline.

Mayo Clinic Laboratories, Mayo Clinic
Classification: Likely benign. Last evaluated: 2025-03-03. Review status: criteria provided, single submitter. Criteria: ACMG Guidelines, 2015. Collection method: clinical testing. Allele origin: germline. Observed: 3 variant alleles.
Comment: BS1, BP4_moderate

ARUP Laboratories, Molecular Genetics and Genomics, ARUP Laboratories
Classification: Uncertain significance for Anemia, congenital dyserythropoietic, type 1a. Last evaluated: 2024-05-02. Review status: criteria provided, single submitter. Criteria: ARUP Molecular Germline Variant Investigation Process 2024. Collection method: clinical testing. Allele origin: germline.

Ambry Genetics
Classification: Likely benign for Inborn genetic diseases. Last evaluated: 2022-06-10. Review status: criteria provided, single submitter. Criteria: Ambry Variant Classification Scheme 2023. Collection method: clinical testing. Allele origin: germline.

Illumina Laboratory Services, Illumina
Classification: Likely benign for Anemia, congenital dyserythropoietic, type 1a. Last evaluated: 2018-01-13. Review status: criteria provided, single submitter. Criteria: ICSL Variant Classification Criteria 13 December 2019. Collection method: clinical testing. Allele origin: germline.
Comment: This variant was observed in the ICSL laboratory as part of a predisposition screen in an ostensibly healthy population. It had not been previously curated by ICSL or reported in the Human Gene Mutation Database (HGMD: prior to June 1st, 2018), and was therefore a candidate for classification through an automated scoring system. Utilizing variant allele frequency, disease prevalence and penetrance estimates, and inheritance mode, an automated score was calculated to assess if this variant is too frequent to cause the disease. Based on the score and internal cut-off values, a variant classified as likely benign is not then subjected to further curation. The score for this variant resulted in a classification of likely benign for this disease.

NM_138477.4(CDAN1):c.2360C>T (p.Ala787Val)

Gene: CDAN1 (codanin 1; minus strand). Cytogenetic location: 15q15.2.
Variant type: single nucleotide variant.
Coding change: c.2360C>T on transcript NM_138477.4 (MANE Select); coding-DNA position 2360, C replaced by T.
Protein change: p.Ala787Val; replaces alanine 787 with valine.
Molecular consequence: missense variant.
Genome position (GRCh38, 1-based): chr15:42,729,615, G>A on the plus strand (C>T on the coding strand, the complement: CDAN1 is on the minus strand). VCF-style: chr15-42729615-G-A. GRCh37 (hg19) VCF-style: chr15-43021813-G-A.
Other names: p.Ala787Val; short protein forms A787V.
Identifiers: ClinVar variation 886071 (VCV000886071.13), dbSNP rs138839403, ClinGen allele CA7515688.